The following is an entry in ClinVar:

ClinVar aggregate classification (germline): Likely benign. Review status: criteria provided, multiple submitters, no conflicts (2 of 4 stars). 2 submissions from 2 submitters: Likely benign (2). Last evaluated 2026-08-24.

Conditions:
Rienhoff syndrome. Also called: LOEYS-DIETZ SYNDROME 5. Identifiers: MedGen C3810012, MONDO:0014262, OMIM 615582.
TGFB3-related disorder. Also called: TGFB3-related condition.

Allele frequency attached by ClinVar (database versions not stated): TOPMed below 0.00001.

Submissions (2):

PreventionGenetics, part of Exact Sciences
Classification: Likely benign for TGFB3-related condition. Last evaluated: 2026-08-24. Review status: criteria provided, single submitter. Criteria: ACMG Guidelines, 2015. Collection method: clinical testing. Allele origin: germline.
Comment: This variant is classified as likely benign based on ACMG/AMP sequence variant interpretation guidelines (Richards et al. 2015 PMID: 25741868, with internal and published modifications).

Labcorp Genetics (formerly Invitae), Labcorp
Classification: Likely benign for Rienhoff syndrome. Last evaluated: 2025-02-02. Review status: criteria provided, single submitter. Criteria: Invitae Variant Classification Sherloc (09022015). Collection method: clinical testing. Allele origin: germline.

NM_003239.5(TGFB3):c.646+9A>G

Gene: TGFB3 (transforming growth factor beta 3; minus strand). Cytogenetic location: 14q24.3.
Variant type: single nucleotide variant.
Coding change: c.646+9A>G on transcript NM_003239.5 (MANE Select); 9 bases into the intron after coding-DNA position 646, A replaced by G.
Molecular consequence: intron variant.
Genome position (GRCh38, 1-based): chr14:75,971,117, T>C on the plus strand (A>G on the coding strand, the complement: TGFB3 is on the minus strand). VCF-style: chr14-75971117-T-C. GRCh37 (hg19) VCF-style: chr14-76437460-T-C.
Other names: c.646+9A>G (NM_001329939.2, NM_001329938.2, NM_003239.4).
Identifiers: ClinVar variation 771104 (VCV000771104.11), dbSNP rs903703321, ClinGen allele CA263706632.